The following is an entry in ClinVar:

NM_000525.4(KCNJ11):c.472A>G (p.Met158Val)

Gene: KCNJ11 (potassium inwardly rectifying channel subfamily J member 11; minus strand). Cytogenetic location: 11p15.1.
Variant type: single nucleotide variant.
Coding change: c.472A>G on transcript NM_000525.4 (MANE Select); coding-DNA position 472, A replaced by G.
Protein change: p.Met158Val; replaces methionine 158 with valine.
Molecular consequence: missense variant.
Genome position (GRCh38, 1-based): chr11:17,387,620, T>C on the plus strand (A>G on the coding strand, the complement: KCNJ11 is on the minus strand). VCF-style: chr11-17387620-T-C. GRCh37 (hg19) VCF-style: chr11-17409167-T-C.
Other names: c.211A>G, p.Met71Val (NM_001166290.2, NM_001377296.1, NM_001377297.1); c.472A>G (NM_000525.3); short protein forms M158V, M71V.
Identifiers: ClinVar variation 1679209 (VCV001679209.2), dbSNP rs1953585385, ClinGen allele CA379773438.

ClinVar aggregate classification (germline): Uncertain significance. Review status: criteria provided, single submitter (1 of 4 stars). 2 submissions from 2 submitters: Uncertain significance (1). 1 of the submissions does not count toward it.

Conditions:
Permanent neonatal diabetes mellitus (PNDM). Identifiers: Orphanet 99885, MedGen C1833104, MONDO:0100164, MONDO:0011643. Disease mechanism: gain of function.
Maturity-onset diabetes of the young (MODY). Also called: Maturity onset diabetes mellitus in young. Identifiers: Orphanet 552, MedGen C0342276, MONDO:0018911, HP:0004904.

Allele frequency attached by ClinVar (database versions not stated): gnomAD exomes 0.00001.

Submissions (2):

Clinical Genomics, Uppaluri K&H Personalized Medicine Clinic
Classification: Uncertain significance for Maturity-onset diabetes of the young. Review status: criteria provided, single submitter. Criteria: K&H Uppaluri Personalized Medicine Clinic Variant Classification & Assertion Criteria. Collection method: research. Allele origin: somatic. Inheritance: Autosomal dominant inheritance.
Comment: Mutations in KCNJ11 gene can cause decreased production and secretion of insulin. This can lead to MODY which is responsive to oral sulfonylureas. It is also associated with Neonatal Diabetes. However, no sufficient evidence is found to ascertain the role of rs1953585385 variant in Diabetes Mellitus yet.

Natera, Inc.
Classification: Uncertain significance for Permanent neonatal diabetes mellitus. Last evaluated: 2025-05-02. Review status: no assertion criteria provided. Collection method: clinical testing. Allele origin: germline. Not counted in ClinVar's aggregate classification.

Literature cited by the submitters: PubMed 26448950 (cited by Clinical Genomics, Uppaluri K&H Personalized Medicine Clinic); PubMed 15580558 (cited by Clinical Genomics, Uppaluri K&H Personalized Medicine Clinic); PubMed 15718250 (cited by Clinical Genomics, Uppaluri K&H Personalized Medicine Clinic).